The following is an entry in ClinVar:

ClinVar aggregate classification (germline): Conflicting classifications of pathogenicity. Review status: criteria provided, conflicting classifications (1 of 4 stars). 2 submissions from 2 submitters: Uncertain significance (1); Likely benign (1). Last evaluated 2026-06-30.

Conditions:
Hereditary cancer-predisposing syndrome. Also called: Hereditary Cancer Syndrome; Neoplastic Syndromes, Hereditary; Hereditary neoplastic syndrome; Tumor predisposition. Identifiers: Orphanet 140162, MedGen C0027672, MeSH D009386, MONDO:0015356.
Oligodontia-cancer predisposition syndrome. Also called: TOOTH AGENESIS-COLORECTAL CANCER SYNDROME. Identifiers: Orphanet 300576, MedGen C1837750, MONDO:0012075, OMIM 608615. Disease mechanism: loss of function.

Submissions (2):

Ambry Genetics
Classification: Likely benign for Hereditary cancer-predisposing syndrome. Last evaluated: 2026-06-30. Review status: criteria provided, single submitter. Criteria: Ambry Variant Classification Scheme 2023. Collection method: clinical testing. Allele origin: germline.

Labcorp Genetics (formerly Invitae), Labcorp
Classification: Uncertain significance for Oligodontia-cancer predisposition syndrome. Last evaluated: 2023-06-29. Review status: criteria provided, single submitter. Criteria: Invitae Variant Classification Sherloc (09022015). Collection method: clinical testing. Allele origin: germline.
Comment: An algorithm developed to predict the effect of missense changes on protein structure and function (PolyPhen-2) suggests that this variant is likely to be tolerated. In summary, the available evidence is currently insufficient to determine the role of this variant in disease. Therefore, it has been classified as a Variant of Uncertain Significance. ClinVar contains an entry for this variant (Variation ID: 1392842). This variant has not been reported in the literature in individuals affected with AXIN2-related conditions. This variant is not present in population databases (gnomAD no frequency). This sequence change replaces glycine, which is neutral and non-polar, with aspartic acid, which is acidic and polar, at codon 406 of the AXIN2 protein (p.Gly406Asp).

NM_004655.4(AXIN2):c.1217G>A (p.Gly406Asp)

Gene: AXIN2 (axin 2; minus strand). Cytogenetic location: 17q24.1.
Variant type: single nucleotide variant.
Coding change: c.1217G>A on transcript NM_004655.4 (MANE Select); coding-DNA position 1217, G replaced by A.
Protein change: p.Gly406Asp; replaces glycine 406 with aspartic acid.
Molecular consequence: missense variant.
Genome position (GRCh38, 1-based): chr17:65,537,819, C>T on the plus strand (G>A on the coding strand, the complement: AXIN2 is on the minus strand). VCF-style: chr17-65537819-C-T. GRCh37 (hg19) VCF-style: chr17-63533937-C-T.
Other names: c.1217G>A, p.Gly406Asp (NM_001363813.1); c.1217G>A (NM_004655.3); short protein forms G406D.
Identifiers: ClinVar variation 1392842 (VCV001392842.7), dbSNP rs1487575935, ClinGen allele CA400677942.
Genomic context (GRCh38, chr17:65,537,819, plus strand): 5'-AGTAGGGAGAGGGGGTGCTGCGTGGGCGCCCCCTCCCGCGAATTGAGTGTGAGCTCGGAG[C>T]CCTCTCTCTCTTCATCCTGAAAGGGAAGACGTCAGAAGGAGAAGTGACCCAGGAAGCAGA-3'
Protein context (NP_004646.3, residues 396-416): QQIREDEERE[Gly406Asp]SELTLNSREG